The following is an entry in ClinVar:

NM_198428.3(BBS9):c.1538-7T>G

Gene: BBS9 (Bardet-Biedl syndrome 9; plus strand). Cytogenetic location: 7p14.3.
Variant type: single nucleotide variant.
Coding change: c.1538-7T>G on transcript NM_198428.3 (MANE Select); 7 bases into the intron before coding-DNA position 1538, T replaced by G.
Molecular consequence: intron variant.
Genome position (GRCh38, 1-based): chr7:33,352,852, T>G. VCF-style: chr7-33352852-T-G. GRCh37 (hg19) VCF-style: chr7-33392464-T-G.
Other names: c.1538-7T>G (NM_001348036.1, NM_001362679.1, NM_001348041.4 and 1 more transcripts); c.1265-7T>G (NM_001348038.3); c.1160-7T>G (NM_001348039.3); c.1537+1529T>G (NM_001033605.2); c.1433-7T>G (NM_001033604.2); c.1432+3682T>G (NM_014451.4, NM_001348040.3); c.1172-7T>G (NM_001348037.3, NM_001348045.3, NM_001348046.3); c.1403-7T>G (NM_001348042.3); and 1 more.
Identifiers: ClinVar variation 462969 (VCV000462969.8), dbSNP rs375661214, ClinGen allele CA4214390.
Genomic context (GRCh38, chr7:33,352,852, plus strand): 5'-CTTTACCACAGATAATTTGTTGCCTTCTTTTCCCCCTACCCATTTTTGCATTGCCTGTGA[T>G]GGACAGATCGAAATCCTGATGGTAAGTGTAAAGATAATTTAGAAAAAAATGAATTTCAGA-3'

ClinVar aggregate classification (germline): Uncertain significance. Review status: criteria provided, multiple submitters, no conflicts (2 of 4 stars). 3 submissions from 3 submitters: Uncertain significance (2). 1 of the submissions does not count toward it. Last evaluated 2022-06-20.

Conditions:
BBS9-related disorder. Also called: BBS9-related condition.
Bardet-Biedl syndrome (BBS). Identifiers: Orphanet 110, MedGen C0752166, MONDO:0015229.
Bardet-Biedl syndrome 9 (BBS9). Identifiers: Orphanet 110, MedGen C1859567, MONDO:0014437, OMIM 615986.

Allele frequency attached by ClinVar (database versions not stated): gnomAD 0.00001; gnomAD exomes 0.00001 and 0.00002; ExAC 0.00004; TOPMed 0.00006; ESP Exome Variant Server 0.00017.
gnomAD v4.1: 14 of 1,612,740 alleles (0.00087%); highest among the groups gnomAD compares: Non-Finnish European, 0.0012%; no homozygotes.

Submissions (3):

Labcorp Genetics (formerly Invitae), Labcorp
Classification: Uncertain significance for Bardet-Biedl syndrome. Last evaluated: 2022-06-20. Review status: criteria provided, single submitter. Criteria: Invitae Variant Classification Sherloc (09022015). Collection method: clinical testing. Allele origin: germline.
Comment: This sequence change falls in intron 14 of the BBS9 gene. It does not directly change the encoded amino acid sequence of the BBS9 protein. This variant is present in population databases (rs375661214, gnomAD 0.006%). This variant has not been reported in the literature in individuals affected with BBS9-related conditions. ClinVar contains an entry for this variant (Variation ID: 462969). Algorithms developed to predict the effect of sequence changes on RNA splicing suggest that this variant may create or strengthen a splice site. In summary, the available evidence is currently insufficient to determine the role of this variant in disease. Therefore, it has been classified as a Variant of Uncertain Significance.

Fulgent Genetics
Classification: Uncertain significance for Bardet-Biedl syndrome 9. Last evaluated: 2022-03-25. Review status: criteria provided, single submitter. Criteria: ACMG Guidelines, 2015. Collection method: clinical testing. Allele origin: unknown.

PreventionGenetics, part of Exact Sciences
Classification: Uncertain significance for BBS9-related condition. Last evaluated: 2024-01-16. Review status: no assertion criteria provided. Collection method: clinical testing. Allele origin: germline. Not counted in ClinVar's aggregate classification.
Comment: The BBS9 c.1538-7T>G variant is predicted to interfere with splicing. This intronic change is predicted to diminish the strength of the nearby canonical splice acceptor site (Alamut Visual v1.6.1). To our knowledge, this variant has not been reported in the literature. This variant is reported in 0.0053% of alleles in individuals of European (Non-Finnish) descent in gnomAD. At this time, the clinical significance of this variant is uncertain due to the absence of conclusive functional and genetic evidence.